The following is an entry in ClinVar:

NM_007194.4(CHEK2):c.1027A>G (p.Ile343Val)

Gene: CHEK2 (checkpoint kinase 2; minus strand). Cytogenetic location: 22q12.1.
Variant type: single nucleotide variant.
Coding change: c.1027A>G on transcript NM_007194.4 (MANE Select); coding-DNA position 1027, A replaced by G.
Protein change: p.Ile343Val; replaces isoleucine 343 with valine.
Molecular consequence: missense variant. On other transcripts: intron variant (3).
Genome position (GRCh38, 1-based): chr22:28,696,969, T>C on the plus strand (A>G on the coding strand, the complement: CHEK2 is on the minus strand). VCF-style: chr22-28696969-T-C. GRCh37 (hg19) VCF-style: chr22-29092957-T-C.
Other names: c.1156A>G, p.Ile386Val (NM_001005735.3); c.364A>G, p.Ile122Val (NM_001257387.3, NM_001437942.1); c.826A>G, p.Ile276Val (NM_001349956.3); c.1120A>G, p.Ile374Val (NM_001438293.1); c.1009-1096A>G (NM_145862.3); c.1102-1096A>G (NM_001438295.1); c.1138-1096A>G (NM_001438294.1); short protein forms I343V, I122V, I276V, I386V, I374V.
Identifiers: ClinVar variation 530054 (VCV000530054.14), dbSNP rs141502354, ClinGen allele CA323006866.

ClinVar aggregate classification (germline): Uncertain significance. Review status: criteria provided, multiple submitters, no conflicts (2 of 4 stars). 4 submissions from 4 submitters: Uncertain significance (4). Last evaluated 2025-12-20.

Conditions:
Familial cancer of breast. Also called: BREAST CANCER, FAMILIAL; Hereditary breast cancer; hereditary breast carcinoma. Identifiers: Orphanet 227535, MedGen C0346153, MONDO:0016419, OMIM 114480. Disease mechanism: loss of function.
Hereditary cancer-predisposing syndrome. Also called: Hereditary neoplastic syndrome; Neoplastic Syndromes, Hereditary; Hereditary Cancer Syndrome; Tumor predisposition. Identifiers: Orphanet 140162, MedGen C0027672, MeSH D009386, MONDO:0015356.

Allele frequency attached by ClinVar (database versions not stated): gnomAD exomes below 0.00001; gnomAD 0.00001; ESP Exome Variant Server 0.00008.
gnomAD v4.1: 4 of 1,611,390 alleles (0.00025%); highest among the groups gnomAD compares: African/African-American, 0.0013%; no homozygotes.

Submissions (4):

Labcorp Genetics (formerly Invitae), Labcorp
Classification: Uncertain significance for Familial cancer of breast. Last evaluated: 2025-12-20. Review status: criteria provided, single submitter. Criteria: Invitae Variant Classification Sherloc (09022015). Collection method: clinical testing. Allele origin: germline.
Comment: This sequence change replaces isoleucine, which is neutral and non-polar, with valine, which is neutral and non-polar, at codon 343 of the CHEK2 protein (p.Ile343Val). This variant is not present in population databases (gnomAD no frequency). This variant has not been reported in the literature in individuals affected with CHEK2-related conditions. ClinVar contains an entry for this variant (Variation ID: 530054). An algorithm developed to predict the effect of missense changes on protein structure and function (PolyPhen-2) suggests that this variant is likely to be disruptive. In summary, the available evidence is currently insufficient to determine the role of this variant in disease. Therefore, it has been classified as a Variant of Uncertain Significance.

Ambry Genetics
Classification: Uncertain significance for Hereditary cancer-predisposing syndrome. Last evaluated: 2024-02-27. Review status: criteria provided, single submitter. Criteria: Ambry Variant Classification Scheme 2023. Collection method: clinical testing. Allele origin: germline.
Comment: The p.I343V variant (also known as c.1027A>G), located in coding exon 9 of the CHEK2 gene, results from an A to G substitution at nucleotide position 1027. The isoleucine at codon 343 is replaced by valine, an amino acid with highly similar properties. This alteration was reported as functional in a study assessing CHEK2-complementation through quantification of KAP1 phosphorylation and CHK2 autophosphorylation in human RPE1-CHEK2-knockout cells (Stolarova L et al. Clin Cancer Res, 2023 Aug;29:3037-3050). This amino acid position is highly conserved in available vertebrate species. In addition, this alteration is predicted to be tolerated by in silico analysis. Based on the available evidence, the clinical significance of this alteration remains unclear.

Baylor Genetics
Classification: Uncertain significance for Familial cancer of breast. Last evaluated: 2023-10-02. Review status: criteria provided, single submitter. Criteria: ACMG Guidelines, 2015. Collection method: clinical testing. Allele origin: unknown.

Breakthrough Genomics
Classification: Uncertain significance. Review status: criteria provided, single submitter. Criteria: ACMG Guidelines, 2015. Collection method: not provided. Allele origin: germline. Inheritance: Autosomal dominant inheritance. Affected: yes.

Literature cited by the submitters: PubMed 37449874 (cited by Ambry Genetics).